The following is an entry in ClinVar:

ClinVar aggregate classification (germline): Likely benign. Review status: criteria provided, multiple submitters, no conflicts (2 of 4 stars). 2 submissions from 2 submitters: Likely benign (2). Last evaluated 2025-07-16.

Conditions:
Insulin-dependent diabetes mellitus secretory diarrhea syndrome (IPEX). Also called: DIABETES MELLITUS, CONGENITAL INSULIN-DEPENDENT, WITH FATAL SECRETORY DIARRHEA; DIARRHEA, POLYENDOCRINOPATHY, FATAL INFECTION SYNDROME, X-LINKED; ENTEROPATHY, AUTOIMMUNE, WITH HEMOLYTIC ANEMIA AND POLYENDOCRINOPATHY; Immunodysregulation, polyendocrinopathy, and enteropathy, X-linked; IPEX and IPEX-Like; X-Linked Autoimmunity-Allergic Dysregulation Syndrome. Identifiers: Orphanet 37042, MedGen C0342288, MONDO:0010580, OMIM 304790. Disease mechanism: loss of function.

Allele frequency attached by ClinVar (database versions not stated): TOPMed below 0.00001; gnomAD 0.00002; gnomAD exomes 0.00002 and 0.00004.
gnomAD v4.1: 26 of 1,163,420 alleles (0.0022%); highest among the groups gnomAD compares: Non-Finnish European, 0.0028%; no homozygotes.

Submissions (2):

Labcorp Genetics (formerly Invitae), Labcorp
Classification: Likely benign for Insulin-dependent diabetes mellitus secretory diarrhea syndrome. Last evaluated: 2025-07-16. Review status: criteria provided, single submitter. Criteria: Invitae Variant Classification Sherloc (09022015). Collection method: clinical testing. Allele origin: germline.

CeGaT Center for Human Genetics Tuebingen
Classification: Likely benign. Last evaluated: 2022-07-01. Review status: criteria provided, single submitter. Criteria: CeGaT Center For Human Genetics Tuebingen Variant Classification Criteria Version 2. Collection method: clinical testing. Allele origin: germline. Affected: yes. Observed: 1 variant allele.
Comment: FOXP3: BP4, BP7

NM_014009.4(FOXP3):c.201G>A (p.Ser67=)

Gene: FOXP3 (forkhead box P3; minus strand). Cytogenetic location: Xp11.23.
Variant type: single nucleotide variant.
Coding change: c.201G>A on transcript NM_014009.4 (MANE Select); coding-DNA position 201, G replaced by A.
Protein change: p.Ser67=; no amino-acid change (serine 67 retained).
Molecular consequence: synonymous variant.
Genome position (GRCh38, 1-based): chrX:49,258,305, C>T on the plus strand (G>A on the coding strand, the complement: FOXP3 is on the minus strand). VCF-style: chrX-49258305-C-T. GRCh37 (hg19) VCF-style: chrX-49114762-C-T.
Other names: c.201G>A, p.Ser67= (NM_001114377.2).
Identifiers: ClinVar variation 1162032 (VCV001162032.32), dbSNP rs1296610779, ClinGen allele CA516399346.